The following is an entry in ClinVar:

NM_133433.4(NIPBL):c.5635del (p.Gln1879fs)

Gene: NIPBL (NIPBL cohesin loading factor; plus strand). Cytogenetic location: 5p13.2.
Variant type: Deletion.
Coding change: c.5635del on transcript NM_133433.4 (MANE Select); coding-DNA position 5635, one base deleted (C; older notation c.5635delC).
Protein change: p.Gln1879fs; shifts the reading frame from glutamine 1879.
Molecular consequence: frameshift variant.
Genome position (GRCh38, 1-based): chr5:37,024,645, C deleted. VCF-style (leftmost placement, unchanged base first): chr5-37024644-AC-A. GRCh37 (hg19) VCF-style: chr5-37024746-AC-A.
Other names: c.5635del, p.Gln1879fs (NM_001438586.1, NM_015384.5); short protein forms Q1879fs.
Identifiers: ClinVar variation 4736523 (VCV004736523.1).
Genomic context (GRCh38, chr5:37,024,644, plus strand): 5'-GGATACTGGTATCAGTGTCAGGAAAAGAGTAATAAAGATTCTCAGAGACATTTGTATTGA[AC>A]AACCAACATTTCCAAAAATCACAGAAATGTGTGTAAAAATGATTCGCAGAGTCAATGATG-3'

ClinVar aggregate classification (germline): Pathogenic (1 of 4 stars; one submission).

Conditions:
Cornelia de Lange syndrome 1 (CDLS1). Also called: TYPUS DEGENERATIVUS AMSTELODAMENSIS; Brachmann de Lange syndrome; NIPBL-Related Cornelia de Lange Syndrome. Identifiers: Orphanet 199, MedGen C4551851, MONDO:0007387, OMIM 122470.

Submission:

Labcorp Genetics (formerly Invitae), Labcorp
Classification: Pathogenic for Cornelia de Lange syndrome 1. Last evaluated: 2026-02-01. Review status: criteria provided, single submitter. Criteria: Invitae Variant Classification Sherloc (09022015). Collection method: clinical testing. Allele origin: germline.
Comment: This sequence change creates a premature translational stop signal (p.Gln1879Asnfs*12) in the NIPBL gene. It is expected to result in an absent or disrupted protein product. Loss-of-function variants in NIPBL are known to be pathogenic (PMID: 15318302, 19763162, 23505322, 29995837). This variant is not present in population databases (gnomAD no frequency). This variant has not been reported in the literature in individuals affected with NIPBL-related conditions. For these reasons, this variant has been classified as Pathogenic.

Literature cited by the submitters: PubMed 15318302; PubMed 19763162; PubMed 23505322; PubMed 29995837.